The following is an entry in ClinVar:

NM_194454.3(KRIT1):c.*137del

Gene: KRIT1 (KRIT1 ankyrin repeat containing; minus strand). Cytogenetic location: 7q21.2.
Variant type: Deletion.
Coding change: c.*137del on transcript NM_194454.3 (MANE Select); 137 bases downstream of the stop codon, one base deleted (C; older notation c.*137delC).
Molecular consequence: 3 prime UTR variant.
Genome position (GRCh38, 1-based): chr7:92,200,599, G deleted on the plus strand (C on the coding strand, the reverse complement: KRIT1 is on the minus strand). VCF-style (leftmost placement, unchanged base first): chr7-92200598-TG-T. GRCh37 (hg19) VCF-style: chr7-91829912-TG-T.
Other names: c.*137del (NM_001013406.2, NM_001350669.1, NM_001350670.1 and 30 more transcripts).
Identifiers: ClinVar variation 360878 (VCV000360878.45), dbSNP rs543954194, ClinGen allele CA10629614.

ClinVar aggregate classification (germline): Conflicting classifications of pathogenicity. Review status: criteria provided, conflicting classifications (1 of 4 stars). 4 submissions from 4 submitters: Uncertain significance (1); Benign (2). 1 of the submissions does not count toward it. Last evaluated 2026-09-01.

Conditions:
KRIT1-related disorder. Also called: KRIT1-related disorders; KRIT1-related condition.
Cerebral cavernous malformation (CCM). Also called: Cavernous Hemangioma of Brain; Cerebral cavernous malformations; CAVERNOUS ANGIOMA, FAMILIAL; CAVERNOUS ANGIOMATOUS MALFORMATIONS; CEREBRAL CAPILLARY MALFORMATIONS; Cerebral cavernous hemangioma (type). Identifiers: Orphanet 221061, MedGen C2919945, MONDO:0000820, OMIM 116860, HP:0033522.

Allele frequency attached by ClinVar (database versions not stated): gnomAD 0.00138 and 0.00165; TOPMed 0.00155; gnomAD exomes 0.00293; 1000 Genomes Project 0.00319; 1000 Genomes Project 30x 0.00344.

Submissions (4):

CeGaT Center for Human Genetics Tuebingen
Classification: Benign. Last evaluated: 2026-09-01. Review status: criteria provided, single submitter. Criteria: CeGaT Center For Human Genetics Tuebingen Variant Classification Criteria Version 2. Collection method: clinical testing. Allele origin: germline. Affected: yes. Observed: 5 variant alleles.
Comment: KRIT1: BS1, BS2

Labcorp Genetics (formerly Invitae), Labcorp
Classification: Benign for Cerebral cavernous malformation. Last evaluated: 2022-02-04. Review status: criteria provided, single submitter. Criteria: Invitae Variant Classification Sherloc (09022015). Collection method: clinical testing. Allele origin: germline.

New York Genome Center
Classification: Uncertain significance for Cerebral cavernous malformation. Last evaluated: 2021-01-29. Review status: criteria provided, single submitter. Criteria: NYGC Assertion Criteria 2020. Collection method: clinical testing. Allele origin: inherited. Observed: 1 heterozygote. Study: CSER-NYCKidSeq.

PreventionGenetics, part of Exact Sciences
Classification: Likely benign for KRIT1-related condition. Last evaluated: 2023-11-22. Review status: no assertion criteria provided. Collection method: clinical testing. Allele origin: germline. Not counted in ClinVar's aggregate classification.
Comment: This variant is classified as likely benign based on ACMG/AMP sequence variant interpretation guidelines (Richards et al. 2015 PMID: 25741868, with internal and published modifications).